The following is an entry in ClinVar:

NM_031471.6(FERMT3):c.1971C>T (p.Thr657=)

Gene: FERMT3 (FERM domain containing kindlin 3; plus strand). Cytogenetic location: 11q13.1.
Variant type: single nucleotide variant.
Coding change: c.1971C>T on transcript NM_031471.6 (MANE Select); coding-DNA position 1971, C replaced by T.
Protein change: p.Thr657=; no amino-acid change (threonine 657 retained).
Molecular consequence: synonymous variant.
Genome position (GRCh38, 1-based): chr11:64,223,471, C>T. VCF-style: chr11-64223471-C-T. GRCh37 (hg19) VCF-style: chr11-63990943-C-T.
Other names: c.1971C>T, p.Thr657= (NM_001382361.1, NM_001382448.1); c.1983C>T, p.Thr661= (NM_001382362.1, NM_178443.3); c.1431C>T, p.Thr477= (NM_001382363.1); c.1443C>T, p.Thr481= (NM_001382364.1).
Identifiers: ClinVar variation 3052603 (VCV003052603.2), dbSNP rs768969062, ClinGen allele CA6069333.

ClinVar aggregate classification (germline): Likely benign (0 of 4 stars; one submission).

Conditions:
FERMT3-related disorder. Also called: FERMT3-related condition.

Allele frequency attached by ClinVar (database versions not stated): gnomAD exomes below 0.00001; ExAC 0.00001; gnomAD 0.00002; TOPMed 0.00002.
gnomAD v4.1: 9 of 1,610,760 alleles (0.00056%); highest among the groups gnomAD compares: African/African-American, 0.004%; no homozygotes.

Submission:

PreventionGenetics, part of Exact Sciences
Classification: Likely benign for FERMT3-related condition. Last evaluated: 2023-07-11. Review status: no assertion criteria provided. Collection method: clinical testing. Allele origin: germline.
Comment: This variant is classified as likely benign based on ACMG/AMP sequence variant interpretation guidelines (Richards et al. 2015 PMID: 25741868, with internal and published modifications).